The following is an entry in ClinVar:

ClinVar aggregate classification (germline): Uncertain significance. Review status: criteria provided, multiple submitters, no conflicts (2 of 4 stars). 3 submissions from 3 submitters: Uncertain significance (3). Last evaluated 2026-02-11.

Conditions:
Rothmund-Thomson syndrome type 2 (RTS2). Identifiers: Orphanet 221016, MedGen C5203410, MONDO:0016369, OMIM 268400.
Inborn genetic diseases. Identifiers: MedGen C0950123, MeSH D030342.
Baller-Gerold syndrome (BGS). Also called: CRANIOSYNOSTOSIS WITH RADIAL DEFECTS. Identifiers: Orphanet 1225, MedGen C0265308, MONDO:0009039, OMIM 218600.

Submissions (3):

St. Jude Molecular Pathology, St. Jude Children's Research Hospital
Classification: Uncertain significance for Rothmund-Thomson syndrome type 2. Last evaluated: 2026-02-11. Review status: criteria provided, single submitter. Criteria: St. Jude Assertion Criteria 2020. Collection method: clinical testing. Allele origin: germline.
Comment: The RECQL4 c.22C>T p.(Arg8Trp) missense change is absent in gnomAD v2.1.1, however data at this position may not be reliable due to mean depth of coverage <30X. In silico tools are inconclusive about a pathogenic or benign effect of this variant on protein function, and to our knowledge functional studies have not been performed. To our knowledge, this variant has not been reported in individuals with RECQL4-associated conditions. In summary, the evidence currently available is insufficient to determine the clinical significance of this variant. It has therefore been classified as of uncertain significance.

Ambry Genetics
Classification: Uncertain significance for Inborn genetic diseases. Last evaluated: 2025-01-09. Review status: criteria provided, single submitter. Criteria: Ambry Variant Classification Scheme 2023. Collection method: clinical testing. Allele origin: germline.
Comment: The p.R8W variant (also known as c.22C>T), located in coding exon 1 of the RECQL4 gene, results from a C to T substitution at nucleotide position 22. The arginine at codon 8 is replaced by tryptophan, an amino acid with dissimilar properties. This amino acid position is conserved. In addition, the in silico prediction for this alteration is inconclusive. Based on the available evidence, the clinical significance of this variant remains unclear.

Labcorp Genetics (formerly Invitae), Labcorp
Classification: Uncertain significance for Baller-Gerold syndrome. Last evaluated: 2024-08-05. Review status: criteria provided, single submitter. Criteria: Invitae Variant Classification Sherloc (09022015). Collection method: clinical testing. Allele origin: germline.
Comment: This sequence change replaces arginine, which is basic and polar, with tryptophan, which is neutral and slightly polar, at codon 8 of the RECQL4 protein (p.Arg8Trp). This variant is not present in population databases (gnomAD no frequency). This variant has not been reported in the literature in individuals affected with RECQL4-related conditions. ClinVar contains an entry for this variant (Variation ID: 529007). Experimental studies and prediction algorithms are not available or were not evaluated, and the functional significance of this variant is currently unknown. In summary, the available evidence is currently insufficient to determine the role of this variant in disease. Therefore, it has been classified as a Variant of Uncertain Significance.

NM_004260.4(RECQL4):c.22C>T (p.Arg8Trp)

Genes: RECQL4 (RecQ like helicase 4; minus strand), LOC130001411 (ATAC-STARR-seq lymphoblastoid silent region 19699; plus strand). Cytogenetic location: 8q24.3.
Variant type: single nucleotide variant.
Coding change: c.22C>T on transcript NM_004260.4 (MANE Select); coding-DNA position 22, C replaced by T.
Protein change: p.Arg8Trp; replaces arginine 8 with tryptophan.
Molecular consequence: missense variant.
Genome position (GRCh38, 1-based): chr8:144,517,763, G>A on the plus strand (C>T on the coding strand, the complement: RECQL4 is on the minus strand). VCF-style: chr8-144517763-G-A. GRCh37 (hg19) VCF-style: chr8-145743147-G-A.
Other names: short protein forms R8W.
Identifiers: ClinVar variation 529007 (VCV000529007.7), dbSNP rs1554905170, ClinGen allele CA372693964.